The following is an entry in ClinVar:

NM_002519.3(NPAT):c.1145G>A (p.Gly382Asp)

Gene: NPAT (nuclear protein, coactivator of histone transcription; minus strand). Cytogenetic location: 11q22.3.
Variant type: single nucleotide variant.
Coding change: c.1145G>A on transcript NM_002519.3 (MANE Select); coding-DNA position 1145, G replaced by A.
Protein change: p.Gly382Asp; replaces glycine 382 with aspartic acid.
Molecular consequence: missense variant.
Genome position (GRCh38, 1-based): chr11:108,173,839, C>T on the plus strand (G>A on the coding strand, the complement: NPAT is on the minus strand). VCF-style: chr11-108173839-C-T. GRCh37 (hg19) VCF-style: chr11-108044566-C-T.
Other names: c.1145G>A, p.Gly382Asp (NM_001321307.1); short protein forms G382D.
Identifiers: ClinVar variation 1732399 (VCV001732399.2), dbSNP rs1314567539, ClinGen allele CA382516230.

ClinVar aggregate classification (germline): Uncertain significance (1 of 4 stars; one submission).

Submission:

Ambry Genetics
Classification: Uncertain significance. Last evaluated: 2023-11-19. Review status: criteria provided, single submitter. Criteria: Ambry Variant Classification Scheme 2023. Collection method: clinical testing. Allele origin: germline.
Comment: The p.G382D variant (also known as c.1145G>A), located in coding exon 13 of the NPAT gene, results from a G to A substitution at nucleotide position 1145. The glycine at codon 382 is replaced by aspartic acid, an amino acid with similar properties. This amino acid position is conserved. In addition, this alteration is predicted to be tolerated by in silico analysis. Since supporting evidence is limited at this time, the clinical significance of this alteration remains unclear.